The following is an entry in ClinVar:

NM_001368397.1(FRMPD4):c.4169G>A (p.Gly1390Glu)

Gene: FRMPD4 (FERM and PDZ domain containing 4; plus strand). Cytogenetic location: Xp22.2.
Variant type: single nucleotide variant.
Coding change: c.4169G>A on transcript NM_001368397.1 (MANE Select); coding-DNA position 4169, G replaced by A.
Protein change: p.Gly1390Glu; replaces glycine 1390 with glutamic acid.
Molecular consequence: missense variant. On other transcripts: 3 prime UTR variant (6).
Genome position (GRCh38, 1-based): chrX:12,720,738, G>A. VCF-style: chrX-12720738-G-A. GRCh37 (hg19) VCF-style: chrX-12738857-G-A.
Other names: c.4280G>A, p.Gly1427Glu (NM_001368395.3); c.4175G>A, p.Gly1392Glu (NM_001368396.3); c.*205G>A (NM_001368398.3, NM_001368399.3, NM_001368400.3 and 3 more transcripts); short protein forms G1390E, G1392E, G1427E.
Identifiers: ClinVar variation 4056497 (VCV004056497.1).
Genomic context (GRCh38, chrX:12,720,738, plus strand): 5'-CCCAAGCAAATCAGGCATACGGAGAGGCTGTGAGCTGGCGGCCACCGGATCTGAGAGGGG[G>A]GAGCCTCAGGACACCTCCCAGCCAGAAGGCTCTGAGACATAGCAGCAGTATCCTCTCCGG-3'
Protein context (NP_001355326.1, residues 1380-1400): VSWRPPDLRG[Gly1390Glu]SLRTPPSQKA

ClinVar aggregate classification (germline): Uncertain significance (1 of 4 stars; one submission).

Conditions:
Intellectual developmental disorder, X-linked 104. Also called: Intellectual disability, X-linked 104. Identifiers: MedGen C4310817, MONDO:0010509, OMIM 300983.

Submission:

Laboratorio de Genetica e Diagnostico Molecular, Hospital Israelita Albert Einstein
Classification: Uncertain significance for Intellectual developmental disorder, X-linked 104. Last evaluated: 2024-01-19. Review status: criteria provided, single submitter. Criteria: ACMG Guidelines, 2015. Collection method: clinical testing. Allele origin: germline. Affected: yes.
Comment: ACMG classification criteria: PM2 supporting